The following is an entry in ClinVar:

ClinVar aggregate classification (germline): Uncertain significance. Review status: criteria provided, multiple submitters, no conflicts (2 of 4 stars). 2 submissions from 2 submitters: Uncertain significance (2). Last evaluated 2018-12-14.

Conditions:
Developmental and epileptic encephalopathy, 85, with or without midline brain defects. Also called: EPILEPTIC ENCEPHALOPATHY, EARLY INFANTILE, 85, WITH OR WITHOUT MIDLINE BRAIN DEFECTS. Identifiers: MedGen C5393312, MONDO:0026771, OMIM 301044.
Congenital muscular hypertrophy-cerebral syndrome (CDLS2). Also called: Cornelia de Lange syndrome 2; SMC1A-Related Cornelia de Lange Syndrome. Identifiers: Orphanet 199, MedGen C1802395, MONDO:0010370, OMIM 300590.

Submissions (2):

Centre for Mendelian Genomics, University Medical Centre Ljubljana
Classification: Uncertain significance for Congenital muscular hypertrophy-cerebral syndrome. Last evaluated: 2018-12-14. Review status: criteria provided, single submitter. Criteria: ACMG Guidelines, 2015. Collection method: clinical testing. Allele origin: unknown. Affected: yes.
Comment: This variant was classified as: Uncertain significance. The available evidence favors the pathogenic nature of this variant, however the currently available data is insufficient to conclusively support its pathogenic nature. Thus this variant is classified as Uncertain significance - favor pathogenic. The following ACMG criteria were applied in classifying this variant: PM2,PP2.

Juno Genomics, Hangzhou Juno Genomics, Inc
Classification: Uncertain significance for Congenital muscular hypertrophy-cerebral syndrome; Developmental and epileptic encephalopathy, 85, with or without midline brain defects. Review status: criteria provided, single submitter. Criteria: ACMG Guidelines, 2015. Collection method: clinical testing. Allele origin: germline.
Comment: Absent from controls (or at extremely low frequency if recessive) in Genome Aggregation Database.;Missense variant in a gene that has a low rate of benign missense variation.;Multiple lines of computational evidence suggest no impact on gene or gene product.

NM_006306.4(SMC1A):c.1150A>G (p.Lys384Glu)

Gene: SMC1A (structural maintenance of chromosomes 1A; minus strand). Cytogenetic location: Xp11.22.
Variant type: single nucleotide variant.
Coding change: c.1150A>G on transcript NM_006306.4 (MANE Select); coding-DNA position 1150, A replaced by G.
Protein change: p.Lys384Glu; replaces lysine 384 with glutamic acid.
Molecular consequence: missense variant.
Genome position (GRCh38, 1-based): chrX:53,411,865, T>C on the plus strand (A>G on the coding strand, the complement: SMC1A is on the minus strand). VCF-style: chrX-53411865-T-C. GRCh37 (hg19) VCF-style: chrX-53438815-T-C.
Other names: c.1084A>G, p.Lys362Glu (NM_001281463.1); short protein forms K362E, K384E.
Identifiers: ClinVar variation 930332 (VCV000930332.5), dbSNP rs2075714342, ClinGen allele CA413256795.